The following is an entry in ClinVar:

ClinVar aggregate classification (germline): Uncertain significance (1 of 4 stars; one submission).

gnomAD v4.1: 4 of 1,612,296 alleles (0.00025%); highest among the groups gnomAD compares: South Asian, 0.0011%; no homozygotes.

Submission:

CeGaT Center for Human Genetics Tuebingen
Classification: Uncertain significance. Last evaluated: 2022-10-01. Review status: criteria provided, single submitter. Criteria: CeGaT Center For Human Genetics Tuebingen Variant Classification Criteria Version 2. Collection method: clinical testing. Allele origin: germline. Affected: yes. Observed: 1 variant allele.
Comment: TTN: PM2

NM_001267550.2(TTN):c.44588C>A (p.Thr14863Lys)

Gene: TTN (titin; minus strand). Cytogenetic location: 2q31.2.
Variant type: single nucleotide variant.
Coding change: c.44588C>A on transcript NM_001267550.2 (MANE Select); coding-DNA position 44588, C replaced by A.
Protein change: p.Thr14863Lys; replaces threonine 14863 with lysine.
Molecular consequence: missense variant.
Genome position (GRCh38, 1-based): chr2:178,624,692, G>T on the plus strand (C>A on the coding strand, the complement: TTN is on the minus strand). VCF-style: chr2-178624692-G-T. GRCh37 (hg19) VCF-style: chr2-179489419-G-T.
Other names: c.39665C>A, p.Thr13222Lys (NM_001256850.1); c.17393C>A, p.Thr5798Lys (NM_003319.4); c.36884C>A, p.Thr12295Lys (NM_133378.4); c.17768C>A, p.Thr5923Lys (NM_133432.3); c.17969C>A, p.Thr5990Lys (NM_133437.4); short protein forms T12295K, T13222K, T14863K, T5798K, T5923K, T5990K.
Identifiers: ClinVar variation 1879504 (VCV001879504.29), dbSNP rs759406486, ClinGen allele CA349641130.